The following is an entry in ClinVar:

ClinVar aggregate classification (germline): Uncertain significance (3 of 4 stars; one submission).

Conditions:
Monogenic diabetes. Identifiers: Orphanet 183625, MedGen C3888631, MONDO:0015967.

Submission:

ClinGen Monogenic Diabetes Variant Curation Expert Panel
Classification: Uncertain significance for Monogenic diabetes. Last evaluated: 2023-10-05. Review status: reviewed by expert panel. Criteria: ClinGen Diabetes ACMG Specifications HNF1A V2.1.0. Collection method: curation. Allele origin: germline. Inheritance: Autosomal dominant inheritance.
Comment: The c.22C>A variant in the HNF1 homeobox A gene, HNF1A, causes an amino acid change of leucine to methionine at codon 8 (p.(Leu8Met)) of NM_000545.8. This variant is absent from gnomAD v2.1.1 (PM2_Supporting). Additionally, this variant is located within the DNA binding domain of HNF1A, which is defined as critical for the protein’s function by the ClinGen MDEP (PM1_Supporting). This variant is predicted to be deleterious by computational evidence, with a REVEL score of 0.814, which is greater than the MDEP threshold of 0.70 (PP3). This variant was identified in three unrelated individuals with non-autoimmune and non-absolute/near-absolute insulin-deficient diabetes; however, PS4 cannot be applied because this number is below the ClinGen MDEP threshold (PMID: 18003757, Internal lab contributors). One of these individuals has a clinical history highly specific for HNF1A-MODY (MODY probability calculator result >50%, negative genetic testing for HNF4A, and sulfonylurea responsive) (PP4_Moderate; PMID: 18003757, Internal lab contributors). In summary, this variant meets the criteria to be classified as a variant of uncertain significance for monogenic diabetes. ACMG/AMP criteria applied, as specified by the ClinGen MDEP (specification version 2.1.0, approved 8/11/2023): PM2_Supporting, PM1_Supoprting, PP3, PP4_Moderate.

NM_000545.8(HNF1A):c.22C>A (p.Leu8Met)

Gene: HNF1A (HNF1 homeobox A; plus strand). Cytogenetic location: 12q24.31.
Variant type: single nucleotide variant.
Coding change: c.22C>A on transcript NM_000545.8 (MANE Select); coding-DNA position 22, C replaced by A.
Protein change: p.Leu8Met; replaces leucine 8 with methionine.
Molecular consequence: missense variant.
Genome position (GRCh38, 1-based): chr12:120,978,790, C>A. VCF-style: chr12-120978790-C-A. GRCh37 (hg19) VCF-style: chr12-121416593-C-A.
Other names: NM_001306179.2:c.22C>A; c.22C>A, p.Leu8Met (NM_001306179.2); short protein forms L8M.
Identifiers: ClinVar variation 1675057 (VCV001675057.4), dbSNP rs2135819378, ClinGen allele CA386952266.